The following is an entry in ClinVar:

ClinVar aggregate classification (germline): Pathogenic (1 of 4 stars; one submission).

Submission:

Labcorp Genetics (formerly Invitae), Labcorp
Classification: Pathogenic. Last evaluated: 2023-05-22. Review status: criteria provided, single submitter. Criteria: Invitae Variant Classification Sherloc (09022015). Collection method: clinical testing. Allele origin: germline.
Comment: For these reasons, this variant has been classified as Pathogenic. This variant disrupts a region of the SERPINH1 protein in which other variant(s) (p.Asp412*) have been determined to be pathogenic (PMID: 31179625). This suggests that this is a clinically significant region of the protein, and that variants that disrupt it are likely to be disease-causing. This variant has not been reported in the literature in individuals affected with SERPINH1-related conditions. This variant is not present in population databases (gnomAD no frequency). This sequence change creates a premature translational stop signal (p.Gly325Alafs*2) in the SERPINH1 gene. While this is not anticipated to result in nonsense mediated decay, it is expected to disrupt the last 94 amino acid(s) of the SERPINH1 protein.

Literature cited by the submitters: PubMed 31179625.

NM_001235.5(SERPINH1):c.974del (p.Gly325fs)

Gene: SERPINH1 (serpin family H member 1; plus strand). Cytogenetic location: 11q13.5.
Variant type: Deletion.
Coding change: c.974del on transcript NM_001235.5 (MANE Select); coding-DNA position 974, one base deleted (G; older notation c.974delG).
Protein change: p.Gly325fs; shifts the reading frame from glycine 325.
Molecular consequence: frameshift variant.
Genome position (GRCh38, 1-based): chr11:75,571,800, G deleted; the last of 3 consecutive G bases (chr11:75,571,798-75,571,800); deleting any one gives the same sequence. VCF-style (leftmost placement, unchanged base first): chr11-75571797-TG-T. GRCh37 (hg19) VCF-style: chr11-75282842-TG-T.
Other names: c.974del, p.Gly325fs (NM_001207014.3); short protein forms G325fs.
Identifiers: ClinVar variation 2867184 (VCV002867184.3), dbSNP rs2497030405, ClinGen allele CA2739270683.
Genomic context (GRCh38, chr11:75,571,797, plus strand): 5'-CTGGCAGCCATGGCCTCACCTGGCACACCTCCTTGTTCCCACAGAAACACCTGGCTGGGC[TG>T]GGCCTGACTGAGGCCATTGACAAGAACAAGGCCGACTTGTCACGCATGTCAGGCAAGAAG-3'